The following is an entry in ClinVar:

NM_016519.6(AMBN):c.855G>A (p.Met285Ile)

Gene: AMBN (ameloblastin; plus strand). Cytogenetic location: 4q13.3.
Variant type: single nucleotide variant.
Coding change: c.855G>A on transcript NM_016519.6 (MANE Select); coding-DNA position 855, G replaced by A.
Protein change: p.Met285Ile; replaces methionine 285 with isoleucine.
Molecular consequence: missense variant.
Genome position (GRCh38, 1-based): chr4:70,606,241, G>A. VCF-style: chr4-70606241-G-A. GRCh37 (hg19) VCF-style: chr4-71471958-G-A.
Other names: c.855G>A (NM_016519.5); short protein forms M285I.
Identifiers: ClinVar variation 3657091 (VCV003657091.2).

ClinVar aggregate classification (germline): Benign. Review status: criteria provided, multiple submitters, no conflicts (2 of 4 stars). 2 submissions from 2 submitters: Benign (2). Last evaluated 2026-07-29.

Conditions:
AMBN-related disorder. Also called: AMBN-related condition.

gnomAD v4.1: 9,495 of 1,614,080 alleles (0.59%); highest among the groups gnomAD compares: African/African-American, 11%; 460 homozygotes.

Submissions (2):

PreventionGenetics, part of Exact Sciences
Classification: Benign for AMBN-related condition. Last evaluated: 2026-07-29. Review status: criteria provided, single submitter. Criteria: ACMG Guidelines, 2015. Collection method: clinical testing. Allele origin: germline.
Comment: This variant is classified as benign based on ACMG/AMP sequence variant interpretation guidelines (Richards et al. 2015 PMID: 25741868, with internal and published modifications).

Labcorp Genetics (formerly Invitae), Labcorp
Classification: Benign. Last evaluated: 2024-08-05. Review status: criteria provided, single submitter. Criteria: Invitae Variant Classification Sherloc (09022015). Collection method: clinical testing. Allele origin: germline.